The following is an entry in ClinVar:

NC_000012.12:g.(?_32868917)_(32869072_?)del

Gene: PKP2 (plakophilin 2; minus strand). Cytogenetic location: 12p11.21.
Variant type: Deletion.
Identifiers: ClinVar variation 830586 (VCV000830586.1).

ClinVar aggregate classification (germline): Pathogenic (1 of 4 stars; one submission).

Conditions:
Arrhythmogenic right ventricular dysplasia 9 (ARVD9). Also called: ARRHYTHMOGENIC RIGHT VENTRICULAR DYSPLASIA, FAMILIAL, 9; Arrhythmogenic Right Ventricular Dysplasia/Cardiomyopathy 9. Identifiers: MedGen C1836906, MONDO:0012180, OMIM 609040.

Submission:

Labcorp Genetics (formerly Invitae), Labcorp
Classification: Pathogenic for Arrhythmogenic right ventricular cardiomyopathy, type 9. Last evaluated: 2019-11-04. Review status: criteria provided, single submitter. Criteria: Invitae Variant Classification Sherloc (09022015). Collection method: clinical testing. Allele origin: germline.
Comment: This variant is an out-of-frame deletion of the genomic region encompassing exon 4 of the PKP2 gene. This is expected to create a premature translational stop signal and result in an absent or disrupted protein product. This variant has been observed in individuals affected with arrythmogenic cardiomyopathy (PMID: 29038103). Loss-of-function variants in PKP2 are known to be pathogenic (PMID: 15489853, 23911551). For these reasons, this variant has been classified as Pathogenic.

Literature cited by the submitters: PubMed 29038103.